The following is an entry in ClinVar:

NM_014321.4(ORC6):c.682C>G (p.Leu228Val)

Gene: ORC6 (origin recognition complex subunit 6; plus strand). Cytogenetic location: 16q11.2.
Variant type: single nucleotide variant.
Coding change: c.682C>G on transcript NM_014321.4 (MANE Select); coding-DNA position 682, C replaced by G.
Protein change: p.Leu228Val; replaces leucine 228 with valine.
Molecular consequence: missense variant. On other transcripts: non-coding transcript variant (1).
Genome position (GRCh38, 1-based): chr16:46,697,508, C>G. VCF-style: chr16-46697508-C-G. GRCh37 (hg19) VCF-style: chr16-46731420-C-G.
Other names: short protein forms L228V.
Identifiers: ClinVar variation 885711 (VCV000885711.8), dbSNP rs768760107, ClinGen allele CA8037473.

ClinVar aggregate classification (germline): Uncertain significance. Review status: criteria provided, multiple submitters, no conflicts (2 of 4 stars). 3 submissions from 3 submitters: Uncertain significance (3). Last evaluated 2022-07-30.

Conditions:
Meier-Gorlin syndrome 3 (MGORS3). Identifiers: Orphanet 2554, MedGen C3151113, MONDO:0013430, OMIM 613803.

Allele frequency attached by ClinVar (database versions not stated): gnomAD exomes below 0.00001 and 0.00001; TOPMed below 0.00001; ExAC 0.00001.
gnomAD v4.1: 16 of 1,613,334 alleles (0.00099%); highest among the groups gnomAD compares: South Asian, 0.016%; no homozygotes.

Submissions (3):

Labcorp Genetics (formerly Invitae), Labcorp
Classification: Uncertain significance. Last evaluated: 2022-07-30. Review status: criteria provided, single submitter. Criteria: Invitae Variant Classification Sherloc (09022015). Collection method: clinical testing. Allele origin: germline.
Comment: This variant has not been reported in the literature in individuals affected with ORC6-related conditions. This variant is present in population databases (rs768760107, gnomAD 0.003%). This sequence change replaces leucine, which is neutral and non-polar, with valine, which is neutral and non-polar, at codon 228 of the ORC6 protein (p.Leu228Val). ClinVar contains an entry for this variant (Variation ID: 885711). In summary, the available evidence is currently insufficient to determine the role of this variant in disease. Therefore, it has been classified as a Variant of Uncertain Significance. Algorithms developed to predict the effect of missense changes on protein structure and function output the following: SIFT: "Tolerated"; PolyPhen-2: "Benign"; Align-GVGD: "Class C0". The valine amino acid residue is found in multiple mammalian species, which suggests that this missense change does not adversely affect protein function.

Baylor Genetics
Classification: Uncertain significance for Meier-Gorlin syndrome 3. Last evaluated: 2018-10-19. Review status: criteria provided, single submitter. Criteria: ACMG Guidelines, 2015. Collection method: clinical testing. Allele origin: maternal. Affected: yes.
Comment: This variant was determined to be of uncertain significance according to ACMG Guidelines, 2015 [PMID:25741868].

Illumina Laboratory Services, Illumina
Classification: Uncertain significance for Meier-Gorlin syndrome 3. Last evaluated: 2018-01-12. Review status: criteria provided, single submitter. Criteria: ICSL Variant Classification Criteria 13 December 2019. Collection method: clinical testing. Allele origin: germline.